The following is an entry in ClinVar:

ClinVar aggregate classification (germline): Uncertain significance. Review status: criteria provided, multiple submitters, no conflicts (2 of 4 stars). 2 submissions from 2 submitters: Uncertain significance (2). Last evaluated 2022-01-19.

gnomAD v4.1: 1 of 1,609,010 alleles (0.000062%); highest among the groups gnomAD compares: Non-Finnish European, 0.000085%; no homozygotes.

Submissions (2):

Labcorp Genetics (formerly Invitae), Labcorp
Classification: Uncertain significance. Last evaluated: 2022-01-19. Review status: criteria provided, single submitter. Criteria: Invitae Variant Classification Sherloc (09022015). Collection method: clinical testing. Allele origin: germline.
Comment: This sequence change replaces alanine, which is neutral and non-polar, with glutamic acid, which is acidic and polar, at codon 299 of the GNAT2 protein (p.Ala299Glu). This variant is present in population databases (no rsID available, gnomAD 0.0009%). This missense change has been observed in individual(s) with achromatopsia (PMID: 29343940). Advanced modeling of protein sequence and biophysical properties (such as structural, functional, and spatial information, amino acid conservation, physicochemical variation, residue mobility, and thermodynamic stability) performed at Invitae indicates that this missense variant is expected to disrupt GNAT2 protein function. In summary, the available evidence is currently insufficient to determine the role of this variant in disease. Therefore, it has been classified as a Variant of Uncertain Significance.

Blueprint Genetics
Classification: Uncertain significance. Last evaluated: 2018-11-23. Review status: criteria provided, single submitter. Criteria: ACMG Guidelines, 2015. Collection method: clinical testing. Allele origin: germline.

Literature cited by the submitters: PubMed 29343940 (cited by Labcorp Genetics (formerly Invitae), Labcorp).

NM_001377295.2(GNAT2):c.896C>A (p.Ala299Glu)

Gene: GNAT2 (G protein subunit alpha transducin 2; minus strand). Cytogenetic location: 1p13.3.
Variant type: single nucleotide variant.
Coding change: c.896C>A on transcript NM_001377295.2 (MANE Select); coding-DNA position 896, C replaced by A.
Protein change: p.Ala299Glu; replaces alanine 299 with glutamic acid.
Molecular consequence: missense variant.
Genome position (GRCh38, 1-based): chr1:109,603,523, G>T on the plus strand (C>A on the coding strand, the complement: GNAT2 is on the minus strand). VCF-style: chr1-109603523-G-T. GRCh37 (hg19) VCF-style: chr1-110146145-G-T.
Other names: c.896C>A, p.Ala299Glu (NM_001379232.1, NM_005272.5); short protein forms A299E.
Identifiers: ClinVar variation 2151892 (VCV002151892.5), dbSNP rs200056419, ClinGen allele CA341532821.